The following is an entry in ClinVar:

NM_001184.4(ATR):c.3862T>C (p.Ser1288Pro)

Gene: ATR (ATR checkpoint kinase; minus strand). Cytogenetic location: 3q23.
Variant type: single nucleotide variant.
Coding change: c.3862T>C on transcript NM_001184.4 (MANE Select); coding-DNA position 3862, T replaced by C.
Protein change: p.Ser1288Pro; replaces serine 1288 with proline.
Molecular consequence: missense variant.
Genome position (GRCh38, 1-based): chr3:142,535,163, A>G on the plus strand (T>C on the coding strand, the complement: ATR is on the minus strand). VCF-style: chr3-142535163-A-G. GRCh37 (hg19) VCF-style: chr3-142254005-A-G.
Other names: c.3670T>C, p.Ser1224Pro (NM_001354579.2); short protein forms S1224P, S1288P.
Identifiers: ClinVar variation 1047001 (VCV001047001.8), dbSNP rs2033808211, ClinGen allele CA354806271.

ClinVar aggregate classification (germline): Uncertain significance (1 of 4 stars; one submission).

Allele frequency attached by ClinVar (database versions not stated): gnomAD exomes 0.00001.
gnomAD v4.1: 5 of 1,613,252 alleles (0.00031%); highest among the groups gnomAD compares: Non-Finnish European, 0.00042%; no homozygotes.

Submission:

Labcorp Genetics (formerly Invitae), Labcorp
Classification: Uncertain significance. Last evaluated: 2025-08-07. Review status: criteria provided, single submitter. Criteria: Invitae Variant Classification Sherloc (09022015). Collection method: clinical testing. Allele origin: germline.
Comment: This sequence change replaces serine, which is neutral and polar, with proline, which is neutral and non-polar, at codon 1288 of the ATR protein (p.Ser1288Pro). This variant is not present in population databases (gnomAD no frequency). This variant has not been reported in the literature in individuals affected with ATR-related conditions. ClinVar contains an entry for this variant (Variation ID: 1047001). An algorithm developed to predict the effect of missense changes on protein structure and function (PolyPhen-2) suggests that this variant is likely to be disruptive. In summary, the available evidence is currently insufficient to determine the role of this variant in disease. Therefore, it has been classified as a Variant of Uncertain Significance.